The following is an entry in ClinVar:

ClinVar aggregate classification (germline): Uncertain significance. Review status: criteria provided, multiple submitters, no conflicts (2 of 4 stars). 2 submissions from 2 submitters: Uncertain significance (2). Last evaluated 2025-07-21.

Conditions:
FG syndrome (FGS). Identifiers: MedGen C0220769, MONDO:0002010.

Submissions (2):

Labcorp Genetics (formerly Invitae), Labcorp
Classification: Uncertain significance for FG syndrome. Last evaluated: 2025-07-21. Review status: criteria provided, single submitter. Criteria: Invitae Variant Classification Sherloc (09022015). Collection method: clinical testing. Allele origin: germline.
Comment: This sequence change replaces alanine, which is neutral and non-polar, with proline, which is neutral and non-polar, at codon 649 of the MED12 protein (p.Ala649Pro). This variant is not present in population databases (gnomAD no frequency). This variant has not been reported in the literature in individuals affected with MED12-related conditions. ClinVar contains an entry for this variant (Variation ID: 2129537). Invitae Evidence Modeling of protein sequence and biophysical properties (such as structural, functional, and spatial information, amino acid conservation, physicochemical variation, residue mobility, and thermodynamic stability) indicates that this missense variant is not expected to disrupt MED12 protein function with a negative predictive value of 95%. In summary, the available evidence is currently insufficient to determine the role of this variant in disease. Therefore, it has been classified as a Variant of Uncertain Significance.

GeneDx
Classification: Uncertain significance. Last evaluated: 2023-11-13. Review status: criteria provided, single submitter. Criteria: GeneDx Variant Classification Process June 2021. Collection method: clinical testing. Allele origin: germline. Affected: yes.
Comment: Has not been previously published as pathogenic or benign to our knowledge; Not observed at significant frequency in large population cohorts (gnomAD); In silico analysis supports that this missense variant does not alter protein structure/function

NM_005120.3(MED12):c.1945G>C (p.Ala649Pro)

Gene: MED12 (mediator complex subunit 12; plus strand). Cytogenetic location: Xq13.1.
Variant type: single nucleotide variant.
Coding change: c.1945G>C on transcript NM_005120.3 (MANE Select); coding-DNA position 1945, G replaced by C.
Protein change: p.Ala649Pro; replaces alanine 649 with proline.
Molecular consequence: missense variant.
Genome position (GRCh38, 1-based): chrX:71,124,359, G>C. VCF-style: chrX-71124359-G-C. GRCh37 (hg19) VCF-style: chrX-70344209-G-C.
Other names: c.1945G>C (NM_005120.2); short protein forms A649P.
Identifiers: ClinVar variation 2129537 (VCV002129537.5), dbSNP rs2519675677, ClinGen allele CA413510070.